The following is an entry in ClinVar:

NM_006939.4(SOS2):c.2320C>G (p.Leu774Val)

Gene: SOS2 (SOS Ras/Rho guanine nucleotide exchange factor 2; minus strand). Cytogenetic location: 14q21.3.
Variant type: single nucleotide variant.
Coding change: c.2320C>G on transcript NM_006939.4 (MANE Select); coding-DNA position 2320, C replaced by G.
Protein change: p.Leu774Val; replaces leucine 774 with valine.
Molecular consequence: missense variant.
Genome position (GRCh38, 1-based): chr14:50,150,072, G>C on the plus strand (C>G on the coding strand, the complement: SOS2 is on the minus strand). VCF-style: chr14-50150072-G-C. GRCh37 (hg19) VCF-style: chr14-50616790-G-C.
Other names: c.2221C>G, p.Leu741Val (NM_001411020.1); short protein forms L741V, L774V.
Identifiers: ClinVar variation 2193562 (VCV002193562.4), dbSNP rs2502941891, ClinGen allele CA389643716.

ClinVar aggregate classification (germline): Uncertain significance (1 of 4 stars; one submission).

Conditions:
Noonan syndrome 9 (NS9). Identifiers: Orphanet 648, MedGen C4225282, MONDO:0014691, OMIM 616559.

Allele frequency attached by ClinVar (database versions not stated): gnomAD exomes below 0.00001.
gnomAD v4.1: 1 of 1,614,050 alleles (0.000062%); highest among the groups gnomAD compares: Non-Finnish European, 0.000085%; no homozygotes.

Submission:

Labcorp Genetics (formerly Invitae), Labcorp
Classification: Uncertain significance for Noonan syndrome 9. Last evaluated: 2022-06-27. Review status: criteria provided, single submitter. Criteria: Invitae Variant Classification Sherloc (09022015). Collection method: clinical testing. Allele origin: germline.
Comment: In summary, the available evidence is currently insufficient to determine the role of this variant in disease. Therefore, it has been classified as a Variant of Uncertain Significance. Algorithms developed to predict the effect of missense changes on protein structure and function (SIFT, PolyPhen-2, Align-GVGD) all suggest that this variant is likely to be tolerated. This variant has not been reported in the literature in individuals affected with SOS2-related conditions. This variant is not present in population databases (gnomAD no frequency). This sequence change replaces leucine, which is neutral and non-polar, with valine, which is neutral and non-polar, at codon 774 of the SOS2 protein (p.Leu774Val).